The following is an entry in ClinVar:

ClinVar aggregate classification (germline): Likely benign (1 of 4 stars; one submission).

gnomAD v4.1: 5,646 of 1,610,248 alleles (0.35%); highest among the groups gnomAD compares: Non-Finnish European, 0.4%; 18 homozygotes.

Submission:

CeGaT Center for Human Genetics Tuebingen
Classification: Likely benign. Last evaluated: 2025-09-01. Review status: criteria provided, single submitter. Criteria: CeGaT Center For Human Genetics Tuebingen Variant Classification Criteria Version 2. Collection method: clinical testing. Allele origin: germline. Affected: yes. Observed: 6 variant alleles.
Comment: VPS50: BS2

NM_017667.4(VPS50):c.2317G>A (p.Ala773Thr)

Gene: VPS50 (VPS50 subunit of EARP/GARPII complex; plus strand). Cytogenetic location: 7q21.3.
Variant type: single nucleotide variant.
Coding change: c.2317G>A on transcript NM_017667.4 (MANE Select); coding-DNA position 2317, G replaced by A.
Protein change: p.Ala773Thr; replaces alanine 773 with threonine.
Molecular consequence: missense variant.
Genome position (GRCh38, 1-based): chr7:93,349,887, G>A. VCF-style: chr7-93349887-G-A. GRCh37 (hg19) VCF-style: chr7-92979199-G-A.
Other names: c.2227G>A, p.Ala743Thr (NM_001257998.2); short protein forms A743T, A773T.
Identifiers: ClinVar variation 3770577 (VCV003770577.13).
Genomic context (GRCh38, chr7:93,349,887, plus strand): 5'-GATACTTTTAGAAAATAATTGTTTTCATTTTTGTGAAATTTATTTCAGACAGTCTCAACC[G>A]CCAGTGAACTACGGAAACCAATTTACTGGATTGTAGCTGGTAAAGCCCTTGATTATGAAC-3'
Protein context (NP_060137.2, residues 763-783): QQFYSQTVST[Ala773Thr]SELRKPIYWI